The following is an entry in ClinVar:

ClinVar aggregate classification (germline): Uncertain significance (1 of 4 stars; one submission).

Allele frequency attached by ClinVar (database versions not stated): gnomAD exomes 0.00001.
gnomAD v4.1: 3 of 1,614,178 alleles (0.00019%); highest among the groups gnomAD compares: Admixed American, 0.005%; 1 homozygote.

Submission:

Labcorp Genetics (formerly Invitae), Labcorp
Classification: Uncertain significance. Last evaluated: 2022-05-27. Review status: criteria provided, single submitter. Criteria: Invitae Variant Classification Sherloc (09022015). Collection method: clinical testing. Allele origin: germline.
Comment: This sequence change replaces glutamic acid, which is acidic and polar, with glutamine, which is neutral and polar, at codon 1316 of the SZT2 protein (p.Glu1316Gln). This variant is not present in population databases (gnomAD no frequency). This variant has not been reported in the literature in individuals affected with SZT2-related conditions. ClinVar contains an entry for this variant (Variation ID: 1364177). Algorithms developed to predict the effect of missense changes on protein structure and function (SIFT, PolyPhen-2, Align-GVGD) all suggest that this variant is likely to be disruptive. In summary, the available evidence is currently insufficient to determine the role of this variant in disease. Therefore, it has been classified as a Variant of Uncertain Significance.

NM_001365999.1(SZT2):c.4117G>C (p.Glu1373Gln)

Gene: SZT2 (SZT2 subunit of KICSTOR complex; plus strand). Cytogenetic location: 1p34.2.
Variant type: single nucleotide variant.
Coding change: c.4117G>C on transcript NM_001365999.1 (MANE Select); coding-DNA position 4117, G replaced by C.
Protein change: p.Glu1373Gln; replaces glutamic acid 1373 with glutamine.
Molecular consequence: missense variant.
Genome position (GRCh38, 1-based): chr1:43,428,437, G>C. VCF-style: chr1-43428437-G-C. GRCh37 (hg19) VCF-style: chr1-43894108-G-C.
Other names: c.3946G>C, p.Glu1316Gln (NM_015284.4); short protein forms E1316Q, E1373Q.
Identifiers: ClinVar variation 1364177 (VCV001364177.3), dbSNP rs1557562026, ClinGen allele CA340020028.
Genomic context (GRCh38, chr1:43,428,437, plus strand): 5'-TTGCCTCATGCACCCCCAAGTCCTGGTCCTCTCAGCCCTGGGCCCTTCAGCAGCAGCATG[G>C]AGGAGGGTGCTGAACCTCGGGAACGAGCTATCCTAGCTTCTGAATCCAGGTTAGGATTAT-3'
Protein context (NP_001352928.1, residues 1363-1383): LSPGPFSSSM[Glu1373Gln]EGAEPRERAI